The following is an entry in ClinVar:

ClinVar aggregate classification (germline): Likely pathogenic (1 of 4 stars; one submission).

Conditions:
Hereditary cancer-predisposing syndrome. Also called: Neoplastic Syndromes, Hereditary; Tumor predisposition; Hereditary neoplastic syndrome; Hereditary Cancer Syndrome. Identifiers: Orphanet 140162, MedGen C0027672, MeSH D009386, MONDO:0015356.

gnomAD v4.1: 1 of 1,607,188 alleles (0.000062%); highest among the groups gnomAD compares: Non-Finnish European, 0.000085%; no homozygotes.

Submission:

Ambry Genetics
Classification: Likely pathogenic for Hereditary cancer-predisposing syndrome. Last evaluated: 2018-03-30. Review status: criteria provided, single submitter. Criteria: Ambry Variant Classification Scheme 2023. Collection method: clinical testing. Allele origin: germline.
Comment: The c.684-1G>T intronic variant results from a G to T substitution one nucleotide upstream from coding exon 5 of the CHEK2 gene. This nucleotide position is highly conserved in available vertebrate species. Using the BDGP and ESEfinder splice site prediction tools, this alteration is predicted to abolish and significantly weaken the native splice acceptor site; however, direct evidence is unavailable. Alterations that disrupt the canonical splice site are expected to cause aberrant splicing, resulting in an abnormal protein or a transcript that is subject to nonsense-mediated mRNA decay. As such, this alteration is classified as likely pathogenic.

NM_007194.4(CHEK2):c.684-1G>T

Gene: CHEK2 (checkpoint kinase 2; minus strand). Cytogenetic location: 22q12.1.
Variant type: single nucleotide variant.
Coding change: c.684-1G>T on transcript NM_007194.4 (MANE Select); the canonical splice acceptor site of the intron before coding-DNA position 684, G replaced by T.
Molecular consequence: splice acceptor variant.
Genome position (GRCh38, 1-based): chr22:28,712,018, C>A on the plus strand (G>T on the coding strand, the complement: CHEK2 is on the minus strand). VCF-style: chr22-28712018-C-A. GRCh37 (hg19) VCF-style: chr22-29108006-C-A.
Other names: c.21-1G>T (NM_001437942.1, NM_001257387.3); c.483-1G>T (NM_001349956.3); c.684-1G>T (NM_145862.3); c.777-1G>T (NM_001438295.1, NM_001438293.1); c.813-1G>T (NM_001438294.1, NM_001005735.3).
Identifiers: ClinVar variation 826660 (VCV000826660.4), dbSNP rs1298667185, ClinGen allele CA411103525.